The following is an entry in ClinVar:

ClinVar aggregate classification (germline): Pathogenic/Likely pathogenic. Review status: criteria provided, multiple submitters, no conflicts (2 of 4 stars). 2 submissions from 2 submitters: Pathogenic (1); Likely pathogenic (1). Last evaluated 2024-06-17.

Conditions:
Klippel-Feil anomaly-myopathy-facial dysmorphism syndrome. Also called: Klippel-Feil syndrome 4, autosomal recessive, with myopathy and facial dysmorphism; Klippel-feil syndrome 4, autosomal recessive, with nemaline myopathy and facial dysmorphism. Identifiers: Orphanet 447974, MedGen C4225285, MONDO:0014689, OMIM 616549.

Submissions (2):

Labcorp Genetics (formerly Invitae), Labcorp
Classification: Pathogenic. Last evaluated: 2024-06-17. Review status: criteria provided, single submitter. Criteria: Invitae Variant Classification Sherloc (09022015). Collection method: clinical testing. Allele origin: germline.
Comment: This sequence change creates a premature translational stop signal (p.Asn1599Thrfs*19) in the MYO18B gene. It is expected to result in an absent or disrupted protein product. Loss-of-function variants in MYO18B are known to be pathogenic (PMID: 25748484, 32184166, 32637634). This variant is not present in population databases (gnomAD no frequency). This variant has not been reported in the literature in individuals affected with MYO18B-related conditions. ClinVar contains an entry for this variant (Variation ID: 1324763). For these reasons, this variant has been classified as Pathogenic.

Revvity Omics, Revvity
Classification: Likely pathogenic for Klippel-Feil anomaly-myopathy-facial dysmorphism syndrome. Last evaluated: 2021-11-17. Review status: criteria provided, single submitter. Criteria: ACMG Guidelines, 2015. Collection method: clinical testing. Allele origin: germline.

Literature cited by the submitters: PubMed 25748484 (cited by Labcorp Genetics (formerly Invitae), Labcorp); PubMed 32184166 (cited by Labcorp Genetics (formerly Invitae), Labcorp); PubMed 32637634 (cited by Labcorp Genetics (formerly Invitae), Labcorp).

NM_032608.7(MYO18B):c.4796del (p.Asn1599fs)

Genes: MYO18B (myosin XVIIIB; plus strand), MYO18B-AS1 (MYO18B antisense RNA 1; minus strand). Cytogenetic location: 22q12.1.
Variant type: Deletion.
Coding change: c.4796del on transcript NM_032608.7 (MANE Select); coding-DNA position 4796, one base deleted (A; older notation c.4796delA).
Protein change: p.Asn1599fs; shifts the reading frame from asparagine 1599.
Molecular consequence: frameshift variant.
Genome position (GRCh38, 1-based): chr22:25,898,434, A deleted; the last of 3 consecutive A bases (chr22:25,898,432-25,898,434); deleting any one gives the same sequence. VCF-style (leftmost placement, unchanged base first): chr22-25898431-GA-G. GRCh37 (hg19) VCF-style: chr22-26294398-GA-G.
Other names: c.4799del, p.Asn1600fs (NM_001318245.2); short protein forms N1599fs, N1600fs.
Identifiers: ClinVar variation 1324763 (VCV001324763.8), dbSNP rs1191610314, ClinGen allele CA751978687.
Genomic context (GRCh38, chr22:25,898,431, plus strand): 5'-GCCACCATCTTACCTGTGACCTTGAGGATACCTGCGTCCTGCTAGAGAACCAACAAAGTC[GA>G]AACCATGAGCTGGAGAAGAAGCAGAAGAAGTGAGTTGCATCTCTCACCATCACCTGGGCT-3'